The following is an entry in ClinVar:

NM_032357.4(VMA22):c.112-2A>G

Gene: VMA22 (vacuolar ATPase assembly factor VMA22; minus strand). Cytogenetic location: 2q21.1.
Variant type: single nucleotide variant.
Coding change: c.112-2A>G on transcript NM_032357.4 (MANE Select); the canonical splice acceptor site of the intron before coding-DNA position 112, A replaced by G.
Molecular consequence: splice acceptor variant.
Genome position (GRCh38, 1-based): chr2:130,341,946, T>C on the plus strand (A>G on the coding strand, the complement: VMA22 is on the minus strand). VCF-style: chr2-130341946-T-C. GRCh37 (hg19) VCF-style: chr2-131099519-T-C.
Other names: c.97-2A>G (NM_001321118.1); c.88-2A>G (NM_001321119.2).
Identifiers: ClinVar variation 4979238 (VCV004979238.1).

ClinVar aggregate classification (germline): Likely pathogenic (1 of 4 stars; one submission).

Conditions:
VMA22-related condition.

gnomAD v4.1: 18 of 1,613,408 alleles (0.0011%); highest among the groups gnomAD compares: South Asian, 0.016%; no homozygotes.

Submission:

PreventionGenetics, part of Exact Sciences
Classification: Likely pathogenic for VMA22-related condition. Last evaluated: 2026-06-30. Review status: criteria provided, single submitter. Criteria: ACMG Guidelines, 2015. Collection method: clinical testing. Allele origin: germline.
Comment: The VMA22 c.112-2A>G variant is predicted to disrupt the AG splice acceptor site and interfere with normal splicing. To our knowledge, this variant has not been reported in the literature. This variant is reported in 0.020% of alleles in individuals of South Asian descent in gnomAD. Variants that disrupt the consensus splice acceptor site in VMA22 are expected to be pathogenic. This variant is interpreted as likely pathogenic.